The following is an entry in ClinVar:

ClinVar aggregate classification (germline): Uncertain significance. Review status: criteria provided, multiple submitters, no conflicts (2 of 4 stars). 2 submissions from 2 submitters: Uncertain significance (2). Last evaluated 2025-09-22.

Conditions:
Hereditary cancer-predisposing syndrome. Also called: Hereditary neoplastic syndrome; Neoplastic Syndromes, Hereditary; Tumor predisposition; Hereditary Cancer Syndrome. Identifiers: Orphanet 140162, MedGen C0027672, MeSH D009386, MONDO:0015356.
Hereditary diffuse gastric adenocarcinoma (HDGC). Also called: DIFFUSE GASTRIC AND LOBULAR BREAST CANCER SYNDROME. Identifiers: Orphanet 26106, MedGen C1708349, MONDO:0007648, OMIM 137215.

Allele frequency attached by ClinVar (database versions not stated): gnomAD exomes below 0.00001.
gnomAD v4.1: 2 of 1,614,148 alleles (0.00012%); highest among the groups gnomAD compares: Non-Finnish European, 0.00017%; no homozygotes.

Submissions (2):

Labcorp Genetics (formerly Invitae), Labcorp
Classification: Uncertain significance for Hereditary diffuse gastric adenocarcinoma. Last evaluated: 2025-09-22. Review status: criteria provided, single submitter. Criteria: Invitae Variant Classification Sherloc (09022015). Collection method: clinical testing. Allele origin: germline.
Comment: This sequence change replaces proline, which is neutral and non-polar, with leucine, which is neutral and non-polar, at codon 309 of the CDH1 protein (p.Pro309Leu). This variant is present in population databases (rs529089668, gnomAD 0.0009%). This variant has not been reported in the literature in individuals affected with CDH1-related conditions. ClinVar contains an entry for this variant (Variation ID: 481017). An algorithm developed to predict the effect of missense changes on protein structure and function (PolyPhen-2) suggests that this variant is likely to be disruptive. In summary, the available evidence is currently insufficient to determine the role of this variant in disease. Therefore, it has been classified as a Variant of Uncertain Significance.

Ambry Genetics
Classification: Uncertain significance for Hereditary cancer-predisposing syndrome. Last evaluated: 2020-01-21. Review status: criteria provided, single submitter. Criteria: Ambry Variant Classification Scheme 2023. Collection method: clinical testing. Allele origin: germline.
Comment: The p.P309L variant (also known as c.926C>T), located in coding exon 7 of the CDH1 gene, results from a C to T substitution at nucleotide position 926. The proline at codon 309 is replaced by leucine, an amino acid with similar properties. This amino acid position is highly conserved in available vertebrate species. In addition, the in silico prediction for this alteration is inconclusive. Since supporting evidence is limited at this time, the clinical significance of this alteration remains unclear.

NM_004360.5(CDH1):c.926C>T (p.Pro309Leu)

Gene: CDH1 (cadherin 1; plus strand). Cytogenetic location: 16q22.1.
Variant type: single nucleotide variant.
Coding change: c.926C>T on transcript NM_004360.5 (MANE Select); coding-DNA position 926, C replaced by T.
Protein change: p.Pro309Leu; replaces proline 309 with leucine.
Molecular consequence: missense variant. On other transcripts: 5 prime UTR variant (2).
Genome position (GRCh38, 1-based): chr16:68,811,777, C>T. VCF-style: chr16-68811777-C-T. GRCh37 (hg19) VCF-style: chr16-68845680-C-T.
Other names: c.926C>T (LRG_301t1); c.926C>T, p.Pro309Leu (NM_001317184.2); c.-690C>T (NM_001317185.2); c.-894C>T (NM_001317186.2); short protein forms P309L.
Identifiers: ClinVar variation 481017 (VCV000481017.13), dbSNP rs529089668, ClinGen allele CA283300233.